The following is an entry in ClinVar:

ClinVar aggregate classification (germline): Pathogenic (1 of 4 stars; one submission).

Submission:

GeneDx
Classification: Pathogenic. Last evaluated: 2026-01-11. Review status: criteria provided, single submitter. Criteria: GeneDx Variant Classification Process June 2021. Collection method: clinical testing. Allele origin: germline. Affected: yes.
Comment: Nonsense variant predicted to result in protein truncation or nonsense mediated decay in a gene for which loss of function is a known mechanism of disease; Not observed at significant frequency in large population cohorts (gnomAD); Has not been previously published as pathogenic or benign to our knowledge

NM_181332.3(NLGN4X):c.1075C>T (p.Gln359Ter)

Gene: NLGN4X (neuroligin 4 X-linked; minus strand). Cytogenetic location: Xp22.32.
Variant type: single nucleotide variant.
Coding change: c.1075C>T on transcript NM_181332.3 (MANE Select); coding-DNA position 1075, C replaced by T.
Protein change: p.Gln359Ter; replaces glutamine 359 with a stop codon.
Molecular consequence: nonsense.
Genome position (GRCh38, 1-based): chrX:5,903,603, G>A on the plus strand (C>T on the coding strand, the complement: NLGN4X is on the minus strand). VCF-style: chrX-5903603-G-A. GRCh37 (hg19) VCF-style: chrX-5821644-G-A.
Other names: c.1075C>T, p.Gln359Ter (NM_001282145.2, NM_001282146.2, NM_020742.4); short protein forms Q359*.
Identifiers: ClinVar variation 1304111 (VCV001304111.3), dbSNP rs2146733599, ClinGen allele CA412011205.